The following is an entry in ClinVar:

NM_004813.4(PEX16):c.679C>T (p.Arg227Trp)

Gene: PEX16 (peroxisomal biogenesis factor 16; minus strand). Cytogenetic location: 11p11.2.
Variant type: single nucleotide variant.
Coding change: c.679C>T on transcript NM_004813.4 (MANE Select); coding-DNA position 679, C replaced by T.
Protein change: p.Arg227Trp; replaces arginine 227 with tryptophan.
Molecular consequence: missense variant.
Genome position (GRCh38, 1-based): chr11:45,914,331, G>A on the plus strand (C>T on the coding strand, the complement: PEX16 is on the minus strand). VCF-style: chr11-45914331-G-A. GRCh37 (hg19) VCF-style: chr11-45935882-G-A.
Other names: c.679C>T, p.Arg227Trp (NM_057174.3); short protein forms R227W.
Identifiers: ClinVar variation 420154 (VCV000420154.9), dbSNP rs1064794320, ClinGen allele CA16619326.
Genomic context (GRCh38, chr11:45,914,331, plus strand): 5'-CCCAGCCCACAGTGCCAGCCCTATCCTGCCCCGCGCTAAGGATACAGTGCAGCAGCGGCC[G>A]GGCAATGTACAAAAACTCTGCGATGGTCTCCTGCAGCCCCAGGGGGGTGGGGGTCGCACT-3'
Protein context (NP_004804.2, residues 217-237): ETIAEFLYIA[Arg227Trp]PLLHLLSLGL

ClinVar aggregate classification (germline): Likely pathogenic. Review status: criteria provided, multiple submitters, no conflicts (2 of 4 stars). 3 submissions from 3 submitters: Likely pathogenic (3). Last evaluated 2024-12-10.

Conditions:
Peroxisome biogenesis disorder. Identifiers: Orphanet 79189, MedGen C1832200, MONDO:0019234. Disease mechanism: loss of function.

Allele frequency attached by ClinVar (database versions not stated): gnomAD exomes below 0.00001 and 0.00001; gnomAD 0.00001; TOPMed 0.00002.

Submissions (3):

Women's Health and Genetics/Laboratory Corporation of America, LabCorp
Classification: Likely pathogenic for Peroxisome biogenesis disorder. Last evaluated: 2024-12-10. Review status: criteria provided, single submitter. Criteria: LabCorp Variant Classification Summary - May 2015. Collection method: clinical testing. Allele origin: germline.
Comment: Variant summary: PEX16 c.679C>T (p.Arg227Trp) results in a non-conservative amino acid change in the encoded protein sequence. Four of five in-silico tools predict a damaging effect of the variant on protein function. The variant allele was found at a frequency of 4e-06 in 248886 control chromosomes. c.679C>T has been reported in the literature in homozygous or compound heterozygous individuals affected with Peroxisome Biogenesis Disorders, Zellweger Syndrome Spectrum (Ohba_2013, Cheung_2022), as well as an individual with cerebral palsy (Moreno-De-Luca_2021). These data indicate that the variant is likely to be associated with disease. To our knowledge, no experimental evidence demonstrating an impact on protein function has been reported. The following publications have been ascertained in the context of this evaluation (PMID: 35106698, 33528536, 24091540). ClinVar contains an entry for this variant (Variation ID: 420154). Based on the evidence outlined above, the variant was classified as likely pathogenic.

Labcorp Genetics (formerly Invitae), Labcorp
Classification: Likely pathogenic for Peroxisome biogenesis disorder. Last evaluated: 2023-08-16. Review status: criteria provided, single submitter. Criteria: Invitae Variant Classification Sherloc (09022015). Collection method: clinical testing. Allele origin: germline.
Comment: This sequence change replaces arginine, which is basic and polar, with tryptophan, which is neutral and slightly polar, at codon 227 of the PEX16 protein (p.Arg227Trp). In summary, the currently available evidence indicates that the variant is pathogenic, but additional data are needed to prove that conclusively. Therefore, this variant has been classified as Likely Pathogenic. Advanced modeling of protein sequence and biophysical properties (such as structural, functional, and spatial information, amino acid conservation, physicochemical variation, residue mobility, and thermodynamic stability) performed at Invitae indicates that this missense variant is expected to disrupt PEX16 protein function. ClinVar contains an entry for this variant (Variation ID: 420154). This missense change has been observed in individual(s) with clinical features of PEX16-related conditions and/or hypomorphic Zellweger spectrum disorder (PMID: 24091540, 35106698). In at least one individual the data is consistent with being in trans (on the opposite chromosome) from a pathogenic variant. The frequency data for this variant in the population databases is considered unreliable, as metrics indicate poor data quality at this position in the gnomAD database.

GeneDx
Classification: Likely pathogenic. Last evaluated: 2019-04-24. Review status: criteria provided, single submitter. Criteria: GeneDx Variant Classification Process June 2021. Collection method: clinical testing. Allele origin: germline. Affected: yes.
Comment: In silico analysis, which includes protein predictors and evolutionary conservation, supports a deleterious effect; Not observed at a significant frequency in large population cohorts (Lek et al., 2016); This variant is associated with the following publications: (PMID: 30078639, 24091540)

Literature cited by the submitters: PubMed 24091540 (cited by Women's Health and Genetics/Laboratory Corporation of America, LabCorp and Labcorp Genetics (formerly Invitae), Labcorp); PubMed 35106698 (cited by Women's Health and Genetics/Laboratory Corporation of America, LabCorp and Labcorp Genetics (formerly Invitae), Labcorp); PubMed 33528536 (cited by Women's Health and Genetics/Laboratory Corporation of America, LabCorp).